The following is an entry in ClinVar:

ClinVar aggregate classification (germline): Pathogenic. Review status: criteria provided, multiple submitters, no conflicts (2 of 4 stars). 8 submissions from 8 submitters: Pathogenic (7). 1 of the submissions does not count toward it. Last evaluated 2025-06-11.

Conditions:
CLCN1-related disorder. Also called: CLCN1-related condition.
Congenital myotonia, autosomal recessive form. Also called: Becker Generalized Myotonia; myotonia congenita, autosomal recessive; BECKER DISEASE. Identifiers: Orphanet 614, MedGen C0751360, MONDO:0009715, OMIM 255700.
Congenital myotonia, autosomal dominant form (THD). Also called: THOMSEN DISEASE; Myotonia congenita autosomal dominant. Identifiers: Orphanet 614, MedGen C2936781, MONDO:0008055, OMIM 160800.

Allele frequency attached by ClinVar (database versions not stated): gnomAD 0.00001; gnomAD exomes 0.00002; TOPMed 0.00001; ExAC 0.00002.
gnomAD v4.1: 28 of 1,613,452 alleles (0.0017%); highest among the groups gnomAD compares: Admixed American, 0.005%; no homozygotes.

Submissions (8):

Labcorp Genetics (formerly Invitae), Labcorp
Classification: Pathogenic for Congenital myotonia, autosomal recessive form; Congenital myotonia, autosomal dominant form. Last evaluated: 2025-06-11. Review status: criteria provided, single submitter. Criteria: Invitae Variant Classification Sherloc (09022015). Collection method: clinical testing. Allele origin: germline.
Comment: This sequence change replaces arginine, which is basic and polar, with serine, which is neutral and polar, at codon 496 of the CLCN1 protein (p.Arg496Ser). This variant is present in population databases (rs121912801, gnomAD 0.006%). This missense change has been observed in individual(s) with autosomal recessive myotonia congenita (PMID: 7951242, 22094069, 26502825, 27199537). In at least one individual the data is consistent with being in trans (on the opposite chromosome) from a pathogenic variant. ClinVar contains an entry for this variant (Variation ID: 17535). Invitae Evidence Modeling of protein sequence and biophysical properties (such as structural, functional, and spatial information, amino acid conservation, physicochemical variation, residue mobility, and thermodynamic stability) indicates that this missense variant is expected to disrupt CLCN1 protein function with a positive predictive value of 95%. Experimental studies have shown that this missense change affects CLCN1 function (PMID: 7951242, 8533761). For these reasons, this variant has been classified as Pathogenic.

Revvity Omics, Revvity
Classification: Pathogenic. Last evaluated: 2025-03-26. Review status: criteria provided, single submitter. Criteria: ACMG Guidelines, 2015. Collection method: clinical testing. Allele origin: germline.

Fulgent Genetics
Classification: Pathogenic for Congenital myotonia, autosomal dominant form; Congenital myotonia, autosomal recessive form. Last evaluated: 2024-03-14. Review status: criteria provided, single submitter. Criteria: ACMG Guidelines, 2015. Collection method: clinical testing. Allele origin: germline.

GeneDx
Classification: Pathogenic. Last evaluated: 2024-03-02. Review status: criteria provided, single submitter. Criteria: GeneDx Variant Classification Process June 2021. Collection method: clinical testing. Allele origin: germline. Affected: yes.
Comment: Published functional studies demonstrate a damaging effect; specifically, cRNA expressed in Xenopus oocytes did not yield detectable currents, suggesting that the variant results in loss of ion channel function. Additionally, co-expression studies with wild type channel yielded detectable, though reduced currents, suggesting that the variant does not impact wild type channel function and is consistent with recessive inheritance (PMID: 7951242); Not observed at significant frequency in large population cohorts (gnomAD); In silico analysis supports that this missense variant has a deleterious effect on protein structure/function; This variant is associated with the following publications: (PMID: 26502825, 31589614, 7951242, 8533761, 23739125, 27199537, 22094069, 33263785)

PreventionGenetics, part of Exact Sciences
Classification: Pathogenic for CLCN1-related condition. Last evaluated: 2023-06-09. Review status: criteria provided, single submitter. Criteria: ACMG Guidelines, 2015. Collection method: clinical testing. Allele origin: germline.
Comment: The CLCN1 c.1488G>T variant is predicted to result in the amino acid substitution p.Arg496Ser. This variant, along with a second variant or in the homozygous state, was reported in several individuals with myotonia congenita (see, for example, Lorenz et al 1994. PubMed ID: 7951242; Mazón et al 2011. PubMed ID: 22094069; Vereb et al 2020. PubMed ID: 33263785). Of note, heterozygous individuals have been reported to be unaffected suggesting this variant exhibits autosomal recessive inheritance (Mazón et al 2011. PubMed ID: 22094069). In vitro experimental studies suggest this variant impacts protein function (Lorenz et al 1994. PubMed ID: 7951242). This variant is reported in 0.0056% of alleles in individuals of Latino descent in gnomAD. This variant is interpreted as pathogenic.

Women's Health and Genetics/Laboratory Corporation of America, LabCorp
Classification: Pathogenic for Congenital myotonia, autosomal recessive form. Last evaluated: 2022-07-19. Review status: criteria provided, single submitter. Criteria: LabCorp Variant Classification Summary - May 2015. Collection method: clinical testing. Allele origin: germline.
Comment: Variant summary: CLCN1 c.1488G>T (p.Arg496Ser) results in a non-conservative amino acid change in the encoded protein sequence. Four of five in-silico tools predict a damaging effect of the variant on protein function. The variant allele was found at a frequency of 1.6e-05 in 251466 control chromosomes (gnomAD). c.1488G>T has been reported in the literature in the homozygous and compound heterozygous state in many individuals affected with the autosomal recessive form of congenital myotonia, Becker disease (e.g. Lorenz_1994, Mazon_2012, Brugnoni_2013, Ronstedt_2015, Stunnenberg_2018, Vereb_2021). These data indicate that the variant is very likely to be associated with disease. At least one publication reports experimental evidence evaluating an impact on protein function. When expressed in vitro, the variant protein did not give rise to currents above levels observed in cells without CLCN1 expression (e.g. Lorenz_1994). Two clinical diagnostic laboratories have submitted clinical-significance assessments for this variant to ClinVar after 2014 without evidence for independent evaluation and both classified the variant as pathogenic. Based on the evidence outlined above, the variant was classified as pathogenic.

Clinical Genetics Service, Universitary Hospital 12 de Octubre
Classification: Pathogenic for Congenital myotonia, autosomal recessive form. Review status: criteria provided, single submitter. Criteria: ACMG Guidelines, 2015. Collection method: clinical testing. Allele origin: germline. Affected: yes.

OMIM
Classification: Pathogenic for MYOTONIA CONGENITA, AUTOSOMAL RECESSIVE. Last evaluated: 1994-06-01. Review status: no assertion criteria provided. Collection method: literature only. Allele origin: germline. Not counted in ClinVar's aggregate classification.

Literature cited by the submitters: PubMed 7951242 (cited by 3 submitters); PubMed 22094069 (cited by Labcorp Genetics (formerly Invitae), Labcorp and Women's Health and Genetics/Laboratory Corporation of America, LabCorp); PubMed 26502825 (cited by Labcorp Genetics (formerly Invitae), Labcorp and Women's Health and Genetics/Laboratory Corporation of America, LabCorp); PubMed 27199537 (cited by Labcorp Genetics (formerly Invitae), Labcorp and Women's Health and Genetics/Laboratory Corporation of America, LabCorp); PubMed 8533761 (cited by Labcorp Genetics (formerly Invitae), Labcorp); PubMed 29606556 (cited by Women's Health and Genetics/Laboratory Corporation of America, LabCorp); PubMed 23739125 (cited by Women's Health and Genetics/Laboratory Corporation of America, LabCorp); PubMed 33263785 (cited by Women's Health and Genetics/Laboratory Corporation of America, LabCorp).

NM_000083.3(CLCN1):c.1488G>T (p.Arg496Ser)

Gene: CLCN1 (chloride voltage-gated channel 1; plus strand). Cytogenetic location: 7q34.
Variant type: single nucleotide variant.
Coding change: c.1488G>T on transcript NM_000083.3 (MANE Select); coding-DNA position 1488, G replaced by T.
Protein change: p.Arg496Ser; replaces arginine 496 with serine.
Molecular consequence: missense variant. On other transcripts: non-coding transcript variant (1).
Genome position (GRCh38, 1-based): chr7:143,339,527, G>T. VCF-style: chr7-143339527-G-T. GRCh37 (hg19) VCF-style: chr7-143036620-G-T.
Other names: short protein forms R496S.
Identifiers: ClinVar variation 17535 (VCV000017535.20), dbSNP rs121912801, ClinGen allele CA258016.
Genomic context (GRCh38, chr7:143,339,527, plus strand): 5'-ACTTGGATCTCGTAACACCTTCCTTCCTTTTATCTTCCCTCTAGGAGCTGCATTTGGAAG[G>T]CTGGTAGGAGAAATCATGGCCATGCTCTTTCCTGATGGTATTTTGTTTGATGACATCATC-3'
Protein context (NP_000074.3, residues 486-506): PVFVLGAAFG[Arg496Ser]LVGEIMAMLF